The following is an entry in ClinVar:

NM_138927.4(SON):c.5943_5963dup (p.1957SRTPSRR[7])

Gene: SON (SON DNA and RNA binding protein; plus strand). Cytogenetic location: 21q22.11.
Variant type: Duplication.
Coding change: c.5943_5963dup on transcript NM_138927.4 (MANE Select); coding-DNA positions 5943 to 5963, 21 bases duplicated (CAGCCGCCGGAGCCGCACCCC).
Protein change: p.1957SRTPSRR[7].
Molecular consequence: inframe insertion. On other transcripts: non-coding transcript variant (1), intron variant (1).
Genome position (GRCh38, 1-based): chr21:33,555,174-33,555,194, CAGCCGCCGGAGCCGCACCCC duplicated; duplicating any 21 consecutive bases within chr21:33,555,163-33,555,194 gives the same sequence; the c. name uses the placement nearest the transcript's 3' end. VCF-style (leftmost placement, unchanged base first): chr21-33555162-C-CAGCCGCACCCCCAGCCGCCGG. GRCh37 (hg19) VCF-style: chr21-34927468-C-CAGCCGCACCCCCAGCCGCCGG.
Other names: c.5943_5963dup21 (NM_138927.2); c.5943_5963dup, p.1957SRTPSRR[7] (NM_001291411.2, NM_032195.3); c.245-1982_245-1962dup (NM_001291412.3).
Identifiers: ClinVar variation 1165911 (VCV001165911.13), dbSNP rs766784590, ClinGen allele CA10009840.

ClinVar aggregate classification (germline): Benign/Likely benign. Review status: criteria provided, multiple submitters, no conflicts (2 of 4 stars). 4 submissions from 4 submitters: Benign (1); Likely benign (2). 1 of the submissions does not count toward it. Last evaluated 2026-02-03.

Conditions:
SON-related disorder. Also called: SON-related condition.

Submissions (4):

Labcorp Genetics (formerly Invitae), Labcorp
Classification: Benign. Last evaluated: 2026-02-03. Review status: criteria provided, single submitter. Criteria: Invitae Variant Classification Sherloc (09022015). Collection method: clinical testing. Allele origin: germline.

Laboratory of Genetics, Children's Clinical University Hospital Latvia
Classification: Likely benign. Last evaluated: 2025-02-16. Review status: criteria provided, single submitter. Criteria: ACMG Guidelines, 2015. Collection method: clinical testing. Allele origin: germline. Affected: yes.

Blueprint Genetics
Classification: Likely benign. Last evaluated: 2024-11-26. Review status: criteria provided, single submitter. Criteria: ACMG Guidelines, 2015. Collection method: clinical testing. Allele origin: germline.

PreventionGenetics, part of Exact Sciences
Classification: Benign for SON-related condition. Last evaluated: 2019-11-27. Review status: no assertion criteria provided. Collection method: clinical testing. Allele origin: germline. Not counted in ClinVar's aggregate classification.
Comment: This variant is classified as benign based on ACMG/AMP sequence variant interpretation guidelines (Richards et al. 2015 PMID: 25741868, with internal and published modifications).